The following is an entry in ClinVar:

NM_007194.4(CHEK2):c.444+10G>T

Gene: CHEK2 (checkpoint kinase 2; minus strand). Cytogenetic location: 22q12.1.
Variant type: single nucleotide variant.
Coding change: c.444+10G>T on transcript NM_007194.4 (MANE Select); 10 bases into the intron after coding-DNA position 444, G replaced by T.
Molecular consequence: intron variant.
Genome position (GRCh38, 1-based): chr22:28,725,233, C>A on the plus strand (G>T on the coding strand, the complement: CHEK2 is on the minus strand). VCF-style: chr22-28725233-C-A. GRCh37 (hg19) VCF-style: chr22-29121221-C-A.
Other names: c.-220+10G>T (NM_001437942.1); c.444+10G>T (NM_001349956.3, NM_145862.3); c.-334+10G>T (NM_001257387.3); c.537+10G>T (NM_001438295.1, NM_001438293.1); c.573+10G>T (NM_001438294.1, NM_001005735.3).
Identifiers: ClinVar variation 3048425 (VCV003048425.3), dbSNP rs2146065904, ClinGen allele CA2655954876.

ClinVar aggregate classification (germline): Likely benign. Review status: criteria provided, single submitter (1 of 4 stars). 2 submissions from 2 submitters: Likely benign (1). 1 of the submissions does not count toward it. Last evaluated 2024-10-02.

Conditions:
CHEK2-related disorder.
Familial cancer of breast. Also called: Hereditary breast cancer; BREAST CANCER, FAMILIAL; hereditary breast carcinoma. Identifiers: Orphanet 227535, MedGen C0346153, MONDO:0016419, OMIM 114480. Disease mechanism: loss of function.

Allele frequency attached by ClinVar (database versions not stated): gnomAD exomes below 0.00001.
gnomAD v4.1: 1 of 1,614,048 alleles (0.000062%); highest among the groups gnomAD compares: Non-Finnish European, 0.000085%; no homozygotes.

Submissions (2):

Myriad Genetics, Inc.
Classification: Likely benign for Familial cancer of breast. Last evaluated: 2024-10-02. Review status: criteria provided, single submitter. Criteria: Myriad Autosomal Dominant, Autosomal Recessive and X-Linked Classification Criteria (2023). Collection method: clinical testing. Allele origin: unknown.
Comment: This variant is considered likely benign. This variant is intronic and is not expected to impact mRNA splicing.

PreventionGenetics, part of Exact Sciences
Classification: Likely benign for CHEK2-related condition. Last evaluated: 2019-11-18. Review status: no assertion criteria provided. Collection method: clinical testing. Allele origin: germline. Not counted in ClinVar's aggregate classification.
Comment: This variant is classified as likely benign based on ACMG/AMP sequence variant interpretation guidelines (Richards et al. 2015 PMID: 25741868, with internal and published modifications).